The following is an entry in ClinVar:

ClinVar aggregate classification (germline): Conflicting classifications of pathogenicity. Review status: criteria provided, conflicting classifications (1 of 4 stars). 9 submissions from 9 submitters: Uncertain significance (3); Benign (1); Likely benign (4). 1 of the submissions does not count toward it. Last evaluated 2026-02-03.

Conditions:
Dilated cardiomyopathy 1G (CMD1G). Identifiers: Orphanet 154, MedGen C1858763, MONDO:0011400, OMIM 604145.
Autosomal recessive limb-girdle muscular dystrophy type 2J (LGMDR10). Also called: Limb-girdle muscular dystrophy, type 2J; MUSCULAR DYSTROPHY, LIMB-GIRDLE, AUTOSOMAL RECESSIVE 10. Identifiers: Orphanet 140922, MedGen C1837342, MONDO:0012127, OMIM 608807.
TTN-related disorder. Also called: TTN-related condition; TTN-related disease; TTN-related disorders.
Cardiovascular phenotype. Identifiers: MedGen CN230736.
Cardiomyopathy (CMYO). Also called: Cardiomyopathies. Identifiers: Orphanet 167848, MedGen C0878544, MONDO:0004994, HP:0001638. Inheritance: Various modes of inheritance.

Allele frequency attached by ClinVar (database versions not stated): gnomAD exomes 0.00007 and 0.00015; TOPMed 0.00076; 1000 Genomes Project 0.00080; 1000 Genomes Project 30x 0.00094; ExAC 0.00018; ESP Exome Variant Server 0.00067; gnomAD 0.00068 and 0.00074.

Submissions (9):

Labcorp Genetics (formerly Invitae), Labcorp
Classification: Likely benign for Dilated cardiomyopathy 1G; Autosomal recessive limb-girdle muscular dystrophy type 2J. Last evaluated: 2026-02-03. Review status: criteria provided, single submitter. Criteria: Invitae Variant Classification Sherloc (09022015). Collection method: clinical testing. Allele origin: germline.

Women's Health and Genetics/Laboratory Corporation of America, LabCorp
Classification: Likely benign. Last evaluated: 2025-02-24. Review status: criteria provided, single submitter. Criteria: LabCorp Variant Classification Summary - May 2015. Collection method: clinical testing. Allele origin: germline.
Comment: Variant summary: TTN c.45351G>A (p.Met15117Ile) results in a conservative amino acid change located in the A-band of the encoded protein sequence. Four of five in-silico tools predict a benign effect of the variant on protein function. The variant allele was found at a frequency of 0.00015 in 247584 control chromosomes, predominantly at a frequency of 0.0022 within the African or African-American subpopulation in the gnomAD database. The observed variant frequency within African or African-American control individuals in the gnomAD database is approximately 5.63 fold of the estimated maximal expected allele frequency for a pathogenic variant in TTN causing Autosomal Recessive Titinopathy phenotype (0.00039). To our knowledge, no occurrence of c.45351G>A in individuals affected with Autosomal Recessive Titinopathy and no experimental evidence demonstrating its impact on protein function have been reported. ClinVar contains an entry for this variant (Variation ID: 165991). Based on the evidence outlined above, the variant was classified as likely benign.

Revvity Omics, Revvity
Classification: Uncertain significance. Last evaluated: 2024-07-29. Review status: criteria provided, single submitter. Criteria: ACMG Guidelines, 2015. Collection method: clinical testing. Allele origin: germline.

GeneDx
Classification: Likely benign. Last evaluated: 2020-10-26. Review status: criteria provided, single submitter. Criteria: GeneDx Variant Classification Process June 2021. Collection method: clinical testing. Allele origin: germline. Affected: yes.

Ambry Genetics
Classification: Likely benign for Cardiovascular phenotype. Last evaluated: 2019-01-26. Review status: criteria provided, single submitter. Criteria: Ambry Variant Classification Scheme 2023. Collection method: clinical testing. Allele origin: germline.

CHEO Genetics Diagnostic Laboratory, Children's Hospital of Eastern Ontario
Classification: Benign for Cardiomyopathy. Last evaluated: 2018-05-24. Review status: criteria provided, single submitter. Criteria: ACMG Guidelines, 2015. Collection method: clinical testing. Allele origin: germline.

Eurofins Ntd Llc (ga)
Classification: Uncertain significance. Last evaluated: 2017-10-04. Review status: criteria provided, single submitter. Criteria: EGL Classification Definitions 2015. Collection method: clinical testing. Allele origin: germline. Observed: 6 variant alleles, 6 heterozygotes.

Laboratory for Molecular Medicine, Mass General Brigham Personalized Medicine
Classification: Uncertain significance. Last evaluated: 2014-07-16. Review status: criteria provided, single submitter. Criteria: LMM Criteria. Collection method: clinical testing. Allele origin: germline. Observed: 3 variant alleles.
Comment: Variant classified as Uncertain Significance - Favor Benign. This variant has be en identified in 0.2% (8/3720) of African American chromosomes by the NHLBI Exom e Sequencing Project (dbSNP 200387466). Methi onine (Met) at position 15117 is not conserved in evolution, supporting that a c hange at this position may be tolerated. In summary, while the clinical signific ance of the Met15117Ile variant is uncertain, its frequency and lack of conserva tion suggests that it is more likely to be benign.

PreventionGenetics, part of Exact Sciences
Classification: Likely benign for TTN-related condition. Last evaluated: 2023-03-27. Review status: no assertion criteria provided. Collection method: clinical testing. Allele origin: germline. Not counted in ClinVar's aggregate classification.
Comment: This variant is classified as likely benign based on ACMG/AMP sequence variant interpretation guidelines (Richards et al. 2015 PMID: 25741868, with internal and published modifications).

NM_001267550.2(TTN):c.53055G>A (p.Met17685Ile)

Genes: TTN (titin; minus strand), TTN-AS1 (TTN antisense RNA 1; plus strand), LOC126806425 (BRD4-independent group 4 enhancer GRCh37_chr2:179471933-179473132; plus strand). Cytogenetic location: 2q31.2.
Variant type: single nucleotide variant.
Coding change: c.53055G>A on transcript NM_001267550.2 (MANE Select); coding-DNA position 53055, G replaced by A.
Protein change: p.Met17685Ile; replaces methionine 17685 with isoleucine.
Molecular consequence: missense variant.
Genome position (GRCh38, 1-based): chr2:178,607,633, C>T on the plus strand (G>A on the coding strand, the complement: TTN is on the minus strand). VCF-style: chr2-178607633-C-T. GRCh37 (hg19) VCF-style: chr2-179472360-C-T.
Other names: p.M16044I:ATG>ATA; c.25860G>A, p.Met8620Ile (NM_003319.4); c.26235G>A, p.Met8745Ile (NM_133432.3); c.26436G>A, p.Met8812Ile (NM_133437.4); c.48132G>A, p.Met16044Ile (NM_001256850.1); c.45351G>A, p.Met15117Ile (NM_133378.4); short protein forms M15117I, M17685I, M16044I, M8745I, M8812I, M8620I.
Identifiers: ClinVar variation 165991 (VCV000165991.32), dbSNP rs200387466, ClinGen allele CA178772.